The following is an entry in ClinVar:

ClinVar aggregate classification (germline): Uncertain significance (1 of 4 stars; one submission).

Conditions:
Hypertrophic cardiomyopathy. Also called: HYPERTROPHIC MYOCARDIOPATHY. Identifiers: Orphanet 217569, MedGen C0007194, MeSH D002312, MONDO:0005045, HP:0001639.

gnomAD v4.1: 1 of 1,613,998 alleles (0.000062%); highest among the groups gnomAD compares: African/African-American, 0.0013%; no homozygotes.

Submission:

Labcorp Genetics (formerly Invitae), Labcorp
Classification: Uncertain significance for Hypertrophic cardiomyopathy. Last evaluated: 2026-01-13. Review status: criteria provided, single submitter. Criteria: Invitae Variant Classification Sherloc (09022015). Collection method: clinical testing. Allele origin: germline.
Comment: This sequence change replaces alanine, which is neutral and non-polar, with glutamic acid, which is acidic and polar, at codon 2 of the TNNI3 protein (p.Ala2Glu). This variant is not present in population databases (gnomAD no frequency). This variant has not been reported in the literature in individuals affected with TNNI3-related conditions. An algorithm developed to predict the effect of missense changes on protein structure and function outputs the following: PolyPhen-2: "Possibly Damaging". The glutamic acid amino acid residue is found in multiple mammalian species, which suggests that this missense change does not adversely affect protein function. This variant disrupts the p.Ala2 amino acid residue in TNNI3. Other variant(s) that disrupt this residue have been determined to be pathogenic (PMID: 32870709; internal data). This suggests that this residue is clinically significant, and that variants that disrupt this residue are likely to be disease-causing. In summary, the available evidence is currently insufficient to determine the role of this variant in disease. Therefore, it has been classified as a Variant of Uncertain Significance.

Literature cited by the submitters: PubMed 32870709.

NM_000363.5(TNNI3):c.5C>A (p.Ala2Glu)

Gene: TNNI3 (troponin I3, cardiac type; minus strand). Cytogenetic location: 19q13.42.
Variant type: single nucleotide variant.
Coding change: c.5C>A on transcript NM_000363.5 (MANE Select); coding-DNA position 5, C replaced by A.
Protein change: p.Ala2Glu; replaces alanine 2 with glutamic acid.
Molecular consequence: missense variant.
Genome position (GRCh38, 1-based): chr19:55,157,585, G>T on the plus strand (C>A on the coding strand, the complement: TNNI3 is on the minus strand). VCF-style: chr19-55157585-G-T. GRCh37 (hg19) VCF-style: chr19-55668953-G-T.
Other names: short protein forms A2E.
Identifiers: ClinVar variation 4737845 (VCV004737845.1).